The following is an entry in ClinVar:

NM_020458.4(TTC7A):c.1717G>T (p.Ala573Ser)

Gene: TTC7A (tetratricopeptide repeat domain 7A; plus strand). Cytogenetic location: 2p21.
Variant type: single nucleotide variant.
Coding change: c.1717G>T on transcript NM_020458.4 (MANE Select); coding-DNA position 1717, G replaced by T.
Protein change: p.Ala573Ser; replaces alanine 573 with serine.
Molecular consequence: missense variant.
Genome position (GRCh38, 1-based): chr2:47,029,299, G>T. VCF-style: chr2-47029299-G-T. GRCh37 (hg19) VCF-style: chr2-47256438-G-T.
Other names: c.1717G>T, p.Ala573Ser (NM_001288951.2); c.1615G>T, p.Ala539Ser (NM_001288953.2); c.655G>T, p.Ala219Ser (NM_001288955.2); short protein forms A219S, A573S, A539S.
Identifiers: ClinVar variation 4995616 (VCV004995616.1).

ClinVar aggregate classification (germline): Uncertain significance (1 of 4 stars; one submission).

Conditions:
TTC7A-related disorder. Also called: TTC7A-related condition.

gnomAD v4.1: 5 of 1,613,938 alleles (0.00031%); highest among the groups gnomAD compares: African/African-American, 0.0027%; no homozygotes.

Submission:

PreventionGenetics, part of Exact Sciences
Classification: Uncertain significance for TTC7A-related condition. Last evaluated: 2025-09-26. Review status: criteria provided, single submitter. Criteria: ACMG Guidelines, 2015. Collection method: clinical testing. Allele origin: germline.
Comment: The TTC7A c.1717G>T variant is predicted to result in the amino acid substitution p.Ala573Ser. To our knowledge, this variant has not been reported in the literature. This variant is reported in 0.0029% of alleles in individuals of Latino descent in gnomAD. At this time, the clinical significance of this variant is uncertain due to the absence of conclusive functional and genetic evidence.